The following is an entry in ClinVar:

NM_001040108.2(MLH3):c.3460C>G (p.Pro1154Ala)

Gene: MLH3 (mutL homolog 3; minus strand). Cytogenetic location: 14q24.3.
Variant type: single nucleotide variant.
Coding change: c.3460C>G on transcript NM_001040108.2 (MANE Select); coding-DNA position 3460, C replaced by G.
Protein change: p.Pro1154Ala; replaces proline 1154 with alanine.
Molecular consequence: missense variant.
Genome position (GRCh38, 1-based): chr14:75,041,620, G>C on the plus strand (C>G on the coding strand, the complement: MLH3 is on the minus strand). VCF-style: chr14-75041620-G-C. GRCh37 (hg19) VCF-style: chr14-75508323-G-C.
Other names: c.3460C>G, p.Pro1154Ala (NM_014381.3); short protein forms P1154A.
Identifiers: ClinVar variation 1731639 (VCV001731639.2), dbSNP rs757591281, ClinGen allele CA390430415.
Genomic context (GRCh38, chr14:75,041,620, plus strand): 5'-AATAAGAAGAAGAAGAAGAAAAAAAAAAGGCAAAGAAAAACTGCTACAGACCCACCTCTG[G>C]ATAACGGGCAAATACTGGATTGTCCCATTCTGAGAACAAAGACTGAAGCGATTCGCTACT-3'
Protein context (NP_001035197.1, residues 1144-1164): EWDNPVFARY[Pro1154Ala]EVAVDVSSGQ

ClinVar aggregate classification (germline): Uncertain significance (1 of 4 stars; one submission).

gnomAD v4.1: 1 of 1,612,422 alleles (0.000062%); no homozygotes.

Submission:

Ambry Genetics
Classification: Uncertain significance. Last evaluated: 2021-12-20. Review status: criteria provided, single submitter. Criteria: Ambry Variant Classification Scheme 2023. Collection method: clinical testing. Allele origin: germline.
Comment: The p.P1154A variant (also known as c.3460C>G), located in coding exon 3 of the MLH3 gene, results from a C to G substitution at nucleotide position 3460. The proline at codon 1154 is replaced by alanine, an amino acid with highly similar properties. This amino acid position is conserved. In addition, the in silico prediction for this alteration is inconclusive. Since supporting evidence is limited at this time, the clinical significance of this alteration remains unclear.